The following is an entry in ClinVar:

NM_012250.6(RRAS2):c.451G>A (p.Val151Ile)

Gene: RRAS2 (RAS related 2; minus strand). Cytogenetic location: 11p15.2.
Variant type: single nucleotide variant.
Coding change: c.451G>A on transcript NM_012250.6 (MANE Select); coding-DNA position 451, G replaced by A.
Protein change: p.Val151Ile; replaces valine 151 with isoleucine.
Molecular consequence: missense variant.
Genome position (GRCh38, 1-based): chr11:14,281,678, C>T on the plus strand (G>A on the coding strand, the complement: RRAS2 is on the minus strand). VCF-style: chr11-14281678-C-T. GRCh37 (hg19) VCF-style: chr11-14303224-C-T.
Other names: c.220G>A, p.Val74Ile (NM_001102669.3, NM_001177315.2); c.346G>A, p.Val116Ile (NM_001177314.2); short protein forms V116I, V151I, V74I.
Identifiers: ClinVar variation 3368491 (VCV003368491.1).

ClinVar aggregate classification (germline): Uncertain significance (1 of 4 stars; one submission).

gnomAD v4.1: 2 of 1,595,624 alleles (0.00013%); highest among the groups gnomAD compares: Admixed American, 0.0018%; no homozygotes.

Submission:

GeneDx
Classification: Uncertain significance. Last evaluated: 2024-01-29. Review status: criteria provided, single submitter. Criteria: GeneDx Variant Classification Process June 2021. Collection method: clinical testing. Allele origin: germline. Affected: yes.
Comment: In silico analysis supports that this missense variant does not alter protein structure/function; Has not been previously published as pathogenic or benign to our knowledge